The following is an entry in ClinVar:

NM_000277.3(PAH):c.842+1G>T

Gene: PAH (phenylalanine hydroxylase; minus strand). Cytogenetic location: 12q23.2.
Variant type: single nucleotide variant.
Coding change: c.842+1G>T on transcript NM_000277.3 (MANE Select); the canonical splice donor site of the intron after coding-DNA position 842, G replaced by T.
Molecular consequence: splice donor variant.
Genome position (GRCh38, 1-based): chr12:102,852,814, C>A on the plus strand (G>T on the coding strand, the complement: PAH is on the minus strand). VCF-style: chr12-102852814-C-A. GRCh37 (hg19) VCF-style: chr12-103246592-C-A.
Other names: c.842+1G>T (NM_001354304.2).
Identifiers: ClinVar variation 102869 (VCV000102869.2), dbSNP rs5030852, ClinGen allele CA229812.

ClinVar aggregate classification (germline): Pathogenic. Review status: reviewed by expert panel (3 of 4 stars). 2 submissions from 2 submitters: Pathogenic (1). 1 of the submissions does not count toward it. Last evaluated 2019-04-09.

Conditions:
Phenylketonuria (PKU). Also called: Phenylketonuria (PKU); FOLLING DISEASE; OLIGOPHRENIA PHENYLPYRUVICA; Phenylketonurias. Identifiers: Orphanet 716, MedGen C0031485, MONDO:0009861, OMIM 261600. Disease mechanism: loss of function.

Submissions (2):

ClinGen PAH Variant Curation Expert Panel
Classification: Pathogenic for Phenylketonuria. Last evaluated: 2019-04-09. Review status: reviewed by expert panel. Criteria: ClinGen PAH ACMG Specifications v1. Collection method: curation. Allele origin: germline. Inheritance: Autosomal recessive inheritance.
Comment: This variant is absent from 1000G, ESP, and gnomAD databases. This variant disrupts the canonical splice donor site of intron 7 where LOF is a known mechanism of disease, exon skipping disrupts reading frame, and is predicted to undergo NMD. Coding exon 7 is present in biologically-relevant transcript. In summary, this variant meets criteria to be pathogenic. PAH-specific ACMG/AMP criteria applied: PM2, PP4, PVS1.

DeBelle Laboratory for Biochemical Genetics, MUHC/MCH RESEARCH INSTITUTE
No classification provided. Review status: no classification provided. Collection method: not provided. Allele origin: not provided. Not counted in ClinVar's aggregate classification.

Literature cited by the submitters: PubMed 23220018 (cited by ClinGen PAH Variant Curation Expert Panel).